The following is an entry in ClinVar:

ClinVar aggregate classification (germline): Uncertain significance (1 of 4 stars; one submission).

Submission:

Dasa
Classification: Uncertain significance. Last evaluated: 2025-09-02. Review status: criteria provided, single submitter. Criteria: DASA Assertion Criteria. Collection method: clinical testing. Allele origin: germline.
Comment: NM_001457.4(FLNB):c.2366G>C (p.Ser789Thr) is a missense variant that results in the substitution of serine with threonine. This variant is absent from population databases. The currently available literature and clinical evidence are not sufficient to establish a definitive association between this variant and the reported condition. Therefore, this variant is classified as a variant of uncertain significance.

NM_001457.4(FLNB):c.2366G>C (p.Ser789Thr)

Gene: FLNB (filamin B; plus strand). Cytogenetic location: 3p14.3.
Variant type: single nucleotide variant.
Coding change: c.2366G>C on transcript NM_001457.4 (MANE Select); coding-DNA position 2366, G replaced by C.
Protein change: p.Ser789Thr; replaces serine 789 with threonine.
Molecular consequence: missense variant.
Genome position (GRCh38, 1-based): chr3:58,110,052, G>C. VCF-style: chr3-58110052-G-C. GRCh37 (hg19) VCF-style: chr3-58095779-G-C.
Other names: c.2366G>C, p.Ser789Thr (NM_001164317.2, NM_001164318.2, NM_001164319.2); short protein forms S789T.
Identifiers: ClinVar variation 4882195 (VCV004882195.2).